The following is an entry in ClinVar:

ClinVar aggregate classification (germline): Likely pathogenic (1 of 4 stars; one submission).

Submission:

Labcorp Genetics (formerly Invitae), Labcorp
Classification: Likely pathogenic. Last evaluated: 2025-12-20. Review status: criteria provided, single submitter. Criteria: Invitae Variant Classification Sherloc (09022015). Collection method: clinical testing. Allele origin: germline.
Comment: This sequence change affects an acceptor splice site in intron 7 of the MTHFD1 gene. It is expected to disrupt RNA splicing. Variants that disrupt the donor or acceptor splice site typically lead to a loss of protein function (PMID: 16199547), and loss-of-function variants in MTHFD1 are known to be pathogenic (PMID: 21813566, 25633902). This variant is not present in population databases (gnomAD no frequency). This variant has not been reported in the literature in individuals affected with MTHFD1-related conditions. Algorithms developed to predict the effect of sequence changes on RNA splicing suggest that this variant may disrupt the consensus splice site. In summary, the currently available evidence indicates that the variant is pathogenic, but additional data are needed to prove that conclusively. Therefore, this variant has been classified as Likely Pathogenic.

Literature cited by the submitters: PubMed 16199547; PubMed 21813566; PubMed 25633902.

NM_005956.4(MTHFD1):c.616-2A>C

Gene: MTHFD1 (methylenetetrahydrofolate dehydrogenase, cyclohydrolase and formyltetrahydrofolate synthetase 1; plus strand). Cytogenetic location: 14q23.3.
Variant type: single nucleotide variant.
Coding change: c.616-2A>C on transcript NM_005956.4 (MANE Select); the canonical splice acceptor site of the intron before coding-DNA position 616, A replaced by C.
Molecular consequence: splice acceptor variant.
Genome position (GRCh38, 1-based): chr14:64,419,812, A>C. VCF-style: chr14-64419812-A-C. GRCh37 (hg19) VCF-style: chr14-64886530-A-C.
Other names: c.616-2A>C (NM_001364837.1).
Identifiers: ClinVar variation 4733662 (VCV004733662.1).